The following is an entry in ClinVar:

ClinVar aggregate classification (germline): Uncertain significance (1 of 4 stars; one submission).

Conditions:
Glycine encephalopathy. Also called: Non-ketotic hyperglycinemia; Nonketotic hyperglycinemia. Identifiers: Orphanet 407, MedGen C0751748, MONDO:0011612, HP:0008288.

Allele frequency attached by ClinVar (database versions not stated): ExAC 0.00001; 1000 Genomes Project 30x 0.00016; 1000 Genomes Project 0.00020.
gnomAD v4.1: 7 of 1,607,994 alleles (0.00044%); highest among the groups gnomAD compares: South Asian, 0.0077%; no homozygotes.

Submission:

Labcorp Genetics (formerly Invitae), Labcorp
Classification: Uncertain significance for Glycine encephalopathy. Last evaluated: 2021-09-17. Review status: criteria provided, single submitter. Criteria: Invitae Variant Classification Sherloc (09022015). Collection method: clinical testing. Allele origin: germline.
Comment: This sequence change replaces histidine with proline at codon 959 of the GLDC protein (p.His959Pro). The histidine residue is weakly conserved and there is a moderate physicochemical difference between histidine and proline. This variant is present in population databases (rs572523552, ExAC 0.006%). This variant has not been reported in the literature in individuals with GLDC-related conditions. Advanced modeling of protein sequence and biophysical properties (such as structural, functional, and spatial information, amino acid conservation, physicochemical variation, residue mobility, and thermodynamic stability) performed at Invitae indicates that this missense variant is not expected to disrupt GLDC protein function. In summary, the available evidence is currently insufficient to determine the role of this variant in disease. Therefore, it has been classified as a Variant of Uncertain Significance.

NM_000170.3(GLDC):c.2876A>C (p.His959Pro)

Gene: GLDC (glycine decarboxylase; minus strand). Cytogenetic location: 9p24.1.
Variant type: single nucleotide variant.
Coding change: c.2876A>C on transcript NM_000170.3 (MANE Select); coding-DNA position 2876, A replaced by C.
Protein change: p.His959Pro; replaces histidine 959 with proline.
Molecular consequence: missense variant.
Genome position (GRCh38, 1-based): chr9:6,534,751, T>G on the plus strand (A>C on the coding strand, the complement: GLDC is on the minus strand). VCF-style: chr9-6534751-T-G. GRCh37 (hg19) VCF-style: chr9-6534751-T-G.
Other names: short protein forms H959P.
Identifiers: ClinVar variation 2152096 (VCV002152096.1), dbSNP rs572523552, ClinGen allele CA4980027.
Genomic context (GRCh38, chr9:6,534,751, plus strand): 5'-AGATTCAGAGAACTTACGAGTGGGAATGCTGCCACCTCTCTGGAATAAGGCCGGTCCCAG[T>G]GGGAAGATGTAACGCAGGTCAGGGAGTGTGGAGACATCTGAGACAGAGACACGGACAGAG-3'
Protein context (NP_000161.2, residues 949-969): PHSLTCVTSS[His959Pro]WDRPYSREVA